The following is an entry in ClinVar:

ClinVar aggregate classification (germline): Uncertain significance (1 of 4 stars; one submission).

Conditions:
Parkinsonism-dystonia, infantile. Identifiers: Orphanet 238455, MedGen C2751067, MONDO:0013150.

Submission:

Labcorp Genetics (formerly Invitae), Labcorp
Classification: Uncertain significance for Parkinsonism-dystonia, infantile. Last evaluated: 2019-09-05. Review status: criteria provided, single submitter. Criteria: Invitae Variant Classification Sherloc (09022015). Collection method: clinical testing. Allele origin: germline.
Comment: In summary, the available evidence is currently insufficient to determine the role of this variant in disease. Therefore, it has been classified as a Variant of Uncertain Significance. Algorithms developed to predict the effect of missense changes on protein structure and function are either unavailable or do not agree on the potential impact of this missense change (SIFT: "Deleterious"; PolyPhen-2: "Probably Damaging"; Align-GVGD: "Class C15"). This variant has not been reported in the literature in individuals with SLC6A3-related conditions. This variant is not present in population databases (ExAC no frequency). This sequence change replaces glutamine with histidine at codon 122 of the SLC6A3 protein (p.Gln122His). The glutamine residue is highly conserved and there is a small physicochemical difference between glutamine and histidine.

NM_001044.5(SLC6A3):c.366G>C (p.Gln122His)

Gene: SLC6A3 (solute carrier family 6 member 3). Cytogenetic location: 5p15.33.
Variant type: single nucleotide variant.
Coding change: c.366G>C on transcript NM_001044.5 (MANE Select); coding-DNA position 366, G replaced by C.
Protein change: p.Gln122His; replaces glutamine 122 with histidine.
Molecular consequence: missense variant.
Genome position (GRCh38, 1-based): chr5:1,441,411, C>G on the plus strand (G>C on the coding strand, the complement: SLC6A3 is on the minus strand). VCF-style: chr5-1441411-C-G. GRCh37 (hg19) VCF-style: chr5-1441526-C-G.
Other names: short protein forms Q122H.
Identifiers: ClinVar variation 939536 (VCV000939536.10), dbSNP rs1733660991, ClinGen allele CA359063246.